The following is an entry in ClinVar:

ClinVar aggregate classification (germline): Pathogenic (1 of 4 stars; one submission).

Conditions:
X-linked myopathy with postural muscle atrophy. Also called: FHL1-Related Emery-Dreifuss Muscular Dystrophy, X-Linked. Identifiers: Orphanet 178461, MedGen C2678055, MONDO:0010401, OMIM 300696.

Submission:

Labcorp Genetics (formerly Invitae), Labcorp
Classification: Pathogenic for X-linked myopathy with postural muscle atrophy. Last evaluated: 2024-11-11. Review status: criteria provided, single submitter. Criteria: Invitae Variant Classification Sherloc (09022015). Collection method: clinical testing. Allele origin: germline.
Comment: This sequence change affects a donor splice site in intron 6 of the FHL1 gene. RNA analysis indicates that disruption of this splice site induces altered splicing and likely disrupts the C-terminus of the protein. This variant is not present in population databases (gnomAD no frequency). Disruption of this splice site has been observed in individual(s) with X-linked myopathy and postural muscle atrophy (PMID: 19687455). ClinVar contains an entry for this variant (Variation ID: 1500210). Variants that disrupt the consensus splice site are a relatively common cause of aberrant splicing (PMID: 17576681, 9536098). Studies have shown that disruption of this splice site results in exon 6 skipping and introduces a new termination codon (PMID: 19687455). However the mRNA is not expected to undergo nonsense-mediated decay. This variant disrupts a region of the FHL1 protein in which other variant(s) (p.Cys276Tyr) have been determined to be pathogenic (PMID: 19716112, 22523091; internal data). This suggests that this is a clinically significant region of the protein, and that variants that disrupt it are likely to be disease-causing. For these reasons, this variant has been classified as Pathogenic.

Literature cited by the submitters: PubMed 19687455; PubMed 17576681; PubMed 9536098; PubMed 19716112; PubMed 22523091.

NM_001159699.2(FHL1):c.736+1G>C

Gene: FHL1 (four and a half LIM domains 1; plus strand). Cytogenetic location: Xq26.3.
Variant type: single nucleotide variant.
Coding change: c.736+1G>C on transcript NM_001159699.2 (MANE Select); the canonical splice donor site of the intron after coding-DNA position 736, G replaced by C.
Molecular consequence: splice donor variant. On other transcripts: intron variant (2).
Genome position (GRCh38, 1-based): chrX:136,208,642, G>C. VCF-style: chrX-136208642-G-C. GRCh37 (hg19) VCF-style: chrX-135290801-G-C.
Other names: c.688+1G>C (NM_001159702.3, NM_001449.5, NM_001369326.1 and 8 more transcripts); c.501+681G>C (NM_001159703.2); c.775+1G>C (NM_001159701.2); c.549+681G>C (NM_001330659.2).
Identifiers: ClinVar variation 1500210 (VCV001500210.8), dbSNP rs786200914, ClinGen allele CA414609121.